The following is an entry in ClinVar:

NM_001394062.1(MACF1):c.1543C>T (p.Arg515Cys)

Gene: MACF1 (microtubule actin crosslinking factor 1; plus strand). Cytogenetic location: 1p34.3.
Variant type: single nucleotide variant.
Coding change: c.1543C>T on transcript NM_001394062.1 (MANE Select); coding-DNA position 1543, C replaced by T.
Protein change: p.Arg515Cys; replaces arginine 515 with cysteine.
Molecular consequence: missense variant.
Genome position (GRCh38, 1-based): chr1:39,287,320, C>T. VCF-style: chr1-39287320-C-T. GRCh37 (hg19) VCF-style: chr1-39752992-C-T.
Other names: c.1558C>T (NM_012090.4); c.1558C>T, p.Arg520Cys (NM_012090.5); short protein forms R515C, R520C.
Identifiers: ClinVar variation 2158142 (VCV002158142.5), dbSNP rs375922773, ClinGen allele CA779467.

ClinVar aggregate classification (germline): Conflicting classifications of pathogenicity. Review status: criteria provided, conflicting classifications (1 of 4 stars). 2 submissions from 2 submitters: Uncertain significance (1); Likely benign (1). Last evaluated 2025-08-29.

Conditions:
Inborn genetic diseases. Identifiers: MedGen C0950123, MeSH D030342.

Allele frequency attached by ClinVar (database versions not stated): ExAC 0.00001; gnomAD 0.00005; ESP Exome Variant Server 0.00008.
gnomAD v4.1: 69 of 1,614,046 alleles (0.0043%); highest among the groups gnomAD compares: Non-Finnish European, 0.0038%; 1 homozygote.

Submissions (2):

Labcorp Genetics (formerly Invitae), Labcorp
Classification: Uncertain significance. Last evaluated: 2025-08-29. Review status: criteria provided, single submitter. Criteria: Invitae Variant Classification Sherloc (09022015). Collection method: clinical testing. Allele origin: germline.
Comment: This sequence change replaces arginine, which is basic and polar, with cysteine, which is neutral and slightly polar, at codon 520 of the MACF1 protein (p.Arg520Cys). This variant is present in population databases (rs375922773, gnomAD 0.06%). This variant has not been reported in the literature in individuals affected with MACF1-related conditions. ClinVar contains an entry for this variant (Variation ID: 2158142). An algorithm developed to predict the effect of missense changes on protein structure and function (PolyPhen-2) suggests that this variant is likely to be disruptive. In summary, the available evidence is currently insufficient to determine the role of this variant in disease. Therefore, it has been classified as a Variant of Uncertain Significance.

Ambry Genetics
Classification: Likely benign for Inborn genetic diseases. Last evaluated: 2023-09-29. Review status: criteria provided, single submitter. Criteria: Ambry Variant Classification Scheme 2023. Collection method: clinical testing. Allele origin: germline.